The following is an entry in ClinVar:

ClinVar aggregate classification (germline): Uncertain significance (1 of 4 stars; one submission).

Conditions:
Spermatogenic failure 6 (SPGF6). Also called: ACROSOME MALFORMATION OF SPERMATOZOA; ROUND-HEADED SPERMATOZOA. Identifiers: Orphanet 171709, MedGen C4225503, MONDO:0007060, OMIM 102530.

Submission:

Juno Genomics, Hangzhou Juno Genomics, Inc
Classification: Uncertain significance for Spermatogenic failure 6. Review status: criteria provided, single submitter. Criteria: ACMG Guidelines, 2015. Collection method: clinical testing. Allele origin: germline.
Comment: Absent from controls (or at extremely low frequency if recessive) in Genome Aggregation Database.

NM_031955.6(SPATA16):c.1707_1710del (p.Arg569fs)

Gene: SPATA16 (spermatogenesis associated 16; minus strand). Cytogenetic location: 3q26.31.
Variant type: Deletion.
Coding change: c.1707_1710del on transcript NM_031955.6 (MANE Select); coding-DNA positions 1707 to 1710, 4 bases deleted (GTAG; older notation c.1707_1710delGTAG).
Protein change: p.Arg569fs; shifts the reading frame from arginine 569.
Molecular consequence: frameshift variant.
Genome position (GRCh38, 1-based): chr3:172,889,570-172,889,573, CTAC deleted on the plus strand (GTAG on the coding strand, the reverse complement: SPATA16 is on the minus strand); deleting any 4 consecutive bases within chr3:172,889,570-172,889,575 gives the same sequence; the c. name uses the placement nearest the transcript's 3' end. VCF-style (leftmost placement, unchanged base first): chr3-172889569-ACTAC-A. GRCh37 (hg19) VCF-style: chr3-172607359-ACTAC-A.
Other names: short protein forms R569fs.
Identifiers: ClinVar variation 5006589 (VCV005006589.2).
Genomic context (GRCh38, chr3:172,889,569, plus strand): 5'-GAGTGGATGCCCTTGCCTCTTCTTCTGGGATATCTTAGTGGTAGTGCCTGCTCCCTAATG[ACTAC>A]CTTTGCTGAACAGTTTGAAGTCGCTTCATTTTTGTTTTTTGCCTTCGAGCAGTTCTCAGT-3'